The following is an entry in ClinVar:

ClinVar aggregate classification (germline): Uncertain significance (1 of 4 stars; one submission).

Conditions:
Autosomal recessive ataxia, Beauce type. Also called: SYNE1-Related Autosomal Recessive Cerebellar Ataxia; Spinocerebellar ataxia, autosomal recessive 8; ATAXIA, RECESSIVE, OF BEAUCE; SYNE1 Deficiency. Identifiers: Orphanet 88644, MedGen C1853116, MONDO:0012549, OMIM 610743.
Emery-Dreifuss muscular dystrophy 4, autosomal dominant (EDMD4). Also called: EMERY-DREIFUSS MUSCULAR DYSTROPHY 4 WITH VARIABLE FEATURES. Identifiers: Orphanet 261, MedGen C2751807, MONDO:0013071, OMIM 612998.

Submission:

Labcorp Genetics (formerly Invitae), Labcorp
Classification: Uncertain significance for Emery-Dreifuss muscular dystrophy 4, autosomal dominant; Autosomal recessive ataxia, Beauce type. Last evaluated: 2021-08-20. Review status: criteria provided, single submitter. Criteria: Invitae Variant Classification Sherloc (09022015). Collection method: clinical testing. Allele origin: germline.
Comment: In summary, the available evidence is currently insufficient to determine the role of this variant in disease. Therefore, it has been classified as a Variant of Uncertain Significance. Algorithms developed to predict the effect of missense changes on protein structure and function are either unavailable or do not agree on the potential impact of this missense change (SIFT: "Deleterious"; PolyPhen-2: "Benign"; Align-GVGD: "Class C55"). This variant has not been reported in the literature in individuals affected with SYNE1-related conditions. This variant is not present in population databases (ExAC no frequency). This sequence change replaces alanine with valine at codon 3953 of the SYNE1 protein (p.Ala3953Val). The alanine residue is highly conserved and there is a small physicochemical difference between alanine and valine.

NM_182961.4(SYNE1):c.12071C>T (p.Ala4024Val)

Gene: SYNE1 (spectrin repeat containing nuclear envelope protein 1; minus strand). Cytogenetic location: 6q25.2.
Variant type: single nucleotide variant.
Coding change: c.12071C>T on transcript NM_182961.4 (MANE Select); coding-DNA position 12071, C replaced by T.
Protein change: p.Ala4024Val; replaces alanine 4024 with valine.
Molecular consequence: missense variant.
Genome position (GRCh38, 1-based): chr6:152,347,066, G>A on the plus strand (C>T on the coding strand, the complement: SYNE1 is on the minus strand). VCF-style: chr6-152347066-G-A. GRCh37 (hg19) VCF-style: chr6-152668201-G-A.
Other names: c.11858C>T, p.Ala3953Val (NM_033071.5); short protein forms A4024V, A3953V.
Identifiers: ClinVar variation 1485140 (VCV001485140.6), dbSNP rs2154025456, ClinGen allele CA366113953.